The following is an entry in ClinVar:

ClinVar aggregate classification (germline): Uncertain significance. Review status: criteria provided, multiple submitters, no conflicts (2 of 4 stars). 2 submissions from 2 submitters: Uncertain significance (2). Last evaluated 2025-11-03.

Conditions:
Bethlem myopathy 1A. Also called: MYOPATHY, BENIGN CONGENITAL, WITH CONTRACTURES; Bethlem myopathy 1; Bethlem Muscular Dystrophy. Identifiers: Orphanet 610, MedGen CN029274, MONDO:0024530, OMIM 158810.

Allele frequency attached by ClinVar (database versions not stated): TOPMed 0.00002; gnomAD exomes 0.00004; ExAC 0.00005.
gnomAD v4.1: 28 of 1,600,724 alleles (0.0017%); highest among the groups gnomAD compares: East Asian, 0.0089%; no homozygotes.

Submissions (2):

Labcorp Genetics (formerly Invitae), Labcorp
Classification: Uncertain significance for Bethlem myopathy 1A. Last evaluated: 2025-11-03. Review status: criteria provided, single submitter. Criteria: Invitae Variant Classification Sherloc (09022015). Collection method: clinical testing. Allele origin: germline.
Comment: This sequence change affects codon 827 of the COL6A1 mRNA. It is a 'silent' change, meaning that it does not change the encoded amino acid sequence of the COL6A1 protein. This variant is present in population databases (rs772673965, gnomAD 0.03%). This variant has not been reported in the literature in individuals affected with COL6A1-related conditions. ClinVar contains an entry for this variant (Variation ID: 648491). Algorithms developed to predict the effect of sequence changes on RNA splicing suggest that this variant may create or strengthen a splice site. In summary, the available evidence is currently insufficient to determine the role of this variant in disease. Therefore, it has been classified as a Variant of Uncertain Significance.

Blueprint Genetics
Classification: Uncertain significance. Last evaluated: 2023-12-28. Review status: criteria provided, single submitter. Criteria: ACMG Guidelines, 2015. Collection method: clinical testing. Allele origin: germline.

NM_001848.3(COL6A1):c.2481G>A (p.Pro827=)

Gene: COL6A1 (collagen type VI alpha 1 chain; plus strand). Cytogenetic location: 21q22.3.
Variant type: single nucleotide variant.
Coding change: c.2481G>A on transcript NM_001848.3 (MANE Select); coding-DNA position 2481, G replaced by A.
Protein change: p.Pro827=; no amino-acid change (proline 827 retained).
Molecular consequence: synonymous variant.
Genome position (GRCh38, 1-based): chr21:46,003,407, G>A. VCF-style: chr21-46003407-G-A. GRCh37 (hg19) VCF-style: chr21-47423321-G-A.
Identifiers: ClinVar variation 648491 (VCV000648491.8), dbSNP rs772673965, ClinGen allele CA10070942.